The following is an entry in ClinVar:

NM_032801.5(JAM3):c.168G>A (p.Thr56=)

Gene: JAM3 (junctional adhesion molecule 3; plus strand). Cytogenetic location: 11q25.
Variant type: single nucleotide variant.
Coding change: c.168G>A on transcript NM_032801.5 (MANE Select); coding-DNA position 168, G replaced by A.
Protein change: p.Thr56=; no amino-acid change (threonine 56 retained).
Molecular consequence: synonymous variant.
Genome position (GRCh38, 1-based): chr11:134,140,682, G>A. VCF-style: chr11-134140682-G-A. GRCh37 (hg19) VCF-style: chr11-134010577-G-A.
Other names: c.168G>A, p.Thr56= (NM_001205329.2).
Identifiers: ClinVar variation 2963799 (VCV002963799.5), dbSNP rs201350335, ClinGen allele CA6369941.

ClinVar aggregate classification (germline): Likely benign. Review status: criteria provided, multiple submitters, no conflicts (2 of 4 stars). 2 submissions from 2 submitters: Likely benign (2). Last evaluated 2026-04-01.

Allele frequency attached by ClinVar (database versions not stated): TOPMed 0.00001; gnomAD exomes 0.00002; gnomAD 0.00003; ExAC 0.00004; 1000 Genomes Project 30x 0.00016; 1000 Genomes Project 0.00020.
gnomAD v4.1: 33 of 1,613,272 alleles (0.002%); highest among the groups gnomAD compares: East Asian, 0.027%; no homozygotes.

Submissions (2):

CeGaT Center for Human Genetics Tuebingen
Classification: Likely benign. Last evaluated: 2026-04-01. Review status: criteria provided, single submitter. Criteria: CeGaT Center For Human Genetics Tuebingen Variant Classification Criteria Version 2. Collection method: clinical testing. Allele origin: germline. Affected: yes. Observed: 1 variant allele.
Comment: JAM3: BP4, BP7

Labcorp Genetics (formerly Invitae), Labcorp
Classification: Likely benign. Last evaluated: 2025-09-04. Review status: criteria provided, single submitter. Criteria: Invitae Variant Classification Sherloc (09022015). Collection method: clinical testing. Allele origin: germline.